The following is an entry in ClinVar:

NM_057175.5(NAA15):c.2282C>G (p.Ser761Ter)

Gene: NAA15 (N-alpha-acetyltransferase 15, NatA auxiliary subunit; plus strand). Cytogenetic location: 4q31.1.
Variant type: single nucleotide variant.
Coding change: c.2282C>G on transcript NM_057175.5 (MANE Select); coding-DNA position 2282, C replaced by G.
Protein change: p.Ser761Ter; replaces serine 761 with a stop codon.
Molecular consequence: nonsense.
Genome position (GRCh38, 1-based): chr4:139,384,958, C>G. VCF-style: chr4-139384958-C-G. GRCh37 (hg19) VCF-style: chr4-140306112-C-G.
Other names: c.2279C>G, p.Ser760Ter (NM_001410842.1); short protein forms S760*, S761*.
Identifiers: ClinVar variation 4282461 (VCV004282461.1).

ClinVar aggregate classification (germline): Pathogenic (1 of 4 stars; one submission).

Submission:

GeneDx
Classification: Pathogenic. Last evaluated: 2025-04-20. Review status: criteria provided, single submitter. Criteria: GeneDx Variant Classification Process June 2021. Collection method: clinical testing. Allele origin: germline. Affected: yes.
Comment: Nonsense variant predicted to result in protein truncation or nonsense mediated decay in a gene for which loss of function is a known mechanism of disease; Not observed at significant frequency in large population cohorts (gnomAD); This variant is associated with the following publications: (PMID: 33557580, 36221186, 33856919)